The following is an entry in ClinVar:

NM_000161.3(GCH1):c.172C>T (p.Pro58Ser)

Gene: GCH1 (GTP cyclohydrolase 1; minus strand). Cytogenetic location: 14q22.2.
Variant type: single nucleotide variant.
Coding change: c.172C>T on transcript NM_000161.3 (MANE Select); coding-DNA position 172, C replaced by T.
Protein change: p.Pro58Ser; replaces proline 58 with serine.
Molecular consequence: missense variant.
Genome position (GRCh38, 1-based): chr14:54,902,492, G>A on the plus strand (C>T on the coding strand, the complement: GCH1 is on the minus strand). VCF-style: chr14-54902492-G-A. GRCh37 (hg19) VCF-style: chr14-55369210-G-A.
Other names: c.172C>T, p.Pro58Ser (NM_001024024.2, NM_001024070.2, NM_001024071.2); short protein forms P58S.
Identifiers: ClinVar variation 1347871 (VCV001347871.8), dbSNP rs2040583643, ClinGen allele CA389794075.
Genomic context (GRCh38, chr14:54,902,492, plus strand): 5'-TGGACGAGTAGGCGGCTGCCAGGTTAGGGAGGTTCAGCTCGTTATCCTCCTCGCTGCGGG[G>A]CCGCTCGCCCTTCCAGCCGTCCGCGGGCTGCGCGCTCTTGGCCTCGGGCCGCGGGGGCTT-3'
Protein context (NP_000152.1, residues 48-68): QPADGWKGER[Pro58Ser]RSEEDNELNL

ClinVar aggregate classification (germline): Uncertain significance (1 of 4 stars; one submission).

Conditions:
Dystonia 5 (DRD). Also called: GTP Cyclohydrolase 1-Deficient Dopa-Responsive Dystonia; Dystonia, DOPA-responsive, with or without hyperphenylalaninemia; DYT-GCH1; DYSTONIA, PROGRESSIVE, WITH DIURNAL VARIATION; DYSTONIA-PARKINSONISM WITH DIURNAL FLUCTUATION. Identifiers: Orphanet 98808, MedGen C1851920, MONDO:0007495, OMIM 128230.
GTP cyclohydrolase I deficiency. Identifiers: MedGen C0268467, MONDO:0100184.

Allele frequency attached by ClinVar (database versions not stated): TOPMed below 0.00001.

Submission:

Labcorp Genetics (formerly Invitae), Labcorp
Classification: Uncertain significance for GTP cyclohydrolase I deficiency; Dystonia 5. Last evaluated: 2022-06-13. Review status: criteria provided, single submitter. Criteria: Invitae Variant Classification Sherloc (09022015). Collection method: clinical testing. Allele origin: germline.
Comment: In summary, the available evidence is currently insufficient to determine the role of this variant in disease. Therefore, it has been classified as a Variant of Uncertain Significance. Advanced modeling of protein sequence and biophysical properties (such as structural, functional, and spatial information, amino acid conservation, physicochemical variation, residue mobility, and thermodynamic stability) performed at Invitae indicates that this missense variant is not expected to disrupt GCH1 protein function. This variant has not been reported in the literature in individuals affected with GCH1-related conditions. This variant is not present in population databases (gnomAD no frequency). This sequence change replaces proline, which is neutral and non-polar, with serine, which is neutral and polar, at codon 58 of the GCH1 protein (p.Pro58Ser).